The following is an entry in ClinVar:

NM_005475.3(SH2B3):c.1337T>C (p.Ile446Thr)

Gene: SH2B3 (SH2B adaptor protein 3; plus strand). Cytogenetic location: 12q24.12.
Variant type: single nucleotide variant.
Coding change: c.1337T>C on transcript NM_005475.3 (MANE Select); coding-DNA position 1337, T replaced by C.
Protein change: p.Ile446Thr; replaces isoleucine 446 with threonine.
Molecular consequence: missense variant.
Genome position (GRCh38, 1-based): chr12:111,447,756, T>C. VCF-style: chr12-111447756-T-C. GRCh37 (hg19) VCF-style: chr12-111885560-T-C.
Other names: c.731T>C, p.Ile244Thr (NM_001291424.1); short protein forms I446T, I244T.
Identifiers: ClinVar variation 4630752 (VCV004630752.1).

ClinVar aggregate classification (germline): Uncertain significance (1 of 4 stars; one submission).

Conditions:
Inborn genetic diseases. Identifiers: MedGen C0950123, MeSH D030342.

Submission:

Ambry Genetics
Classification: Uncertain significance for Inborn genetic diseases. Last evaluated: 2025-11-12. Review status: criteria provided, single submitter. Criteria: Ambry Variant Classification Scheme 2023. Collection method: clinical testing. Allele origin: germline.
Comment: The p.I446T variant (also known as c.1337T>C), located in coding exon 6 of the SH2B3 gene, results from a T to C substitution at nucleotide position 1337. The isoleucine at codon 446 is replaced by threonine, an amino acid with similar properties. This amino acid position is conserved. In addition, this alteration is predicted to be deleterious by in silico analysis. Based on the available evidence, the clinical significance of this variant remains unclear.